The following is an entry in ClinVar:

ClinVar aggregate classification (germline): Uncertain significance (1 of 4 stars; one submission).

Conditions:
Familial cancer of breast. Also called: BREAST CANCER, FAMILIAL; hereditary breast carcinoma; Hereditary breast cancer. Identifiers: Orphanet 227535, MedGen C0346153, MONDO:0016419, OMIM 114480. Disease mechanism: loss of function.
Fanconi anemia complementation group J. Also called: BRIP1-Related Fanconi Anemia. Identifiers: Orphanet 84, MedGen C1836860, MONDO:0012187, OMIM 609054.

Submission:

Labcorp Genetics (formerly Invitae), Labcorp
Classification: Uncertain significance for Familial cancer of breast; Fanconi anemia complementation group J. Last evaluated: 2023-10-10. Review status: criteria provided, single submitter. Criteria: Invitae Variant Classification Sherloc (09022015). Collection method: clinical testing. Allele origin: germline.
Comment: This sequence change falls in intron 3 of the BRIP1 gene. It does not directly change the encoded amino acid sequence of the BRIP1 protein. This variant is not present in population databases (gnomAD no frequency). This variant has not been reported in the literature in individuals affected with BRIP1-related conditions. Experimental studies and prediction algorithms are not available or were not evaluated, and the effect of this variant on mRNA splicing is currently unknown. In summary, the available evidence is currently insufficient to determine the role of this variant in disease. Therefore, it has been classified as a Variant of Uncertain Significance.

NM_032043.3(BRIP1):c.206-15_206-14insTATTATAAATAGAC

Gene: BRIP1 (BRCA1 interacting DNA helicase 1; minus strand). Cytogenetic location: 17q23.2.
Variant type: Insertion.
Coding change: c.206-15_206-14insTATTATAAATAGAC on transcript NM_032043.3 (MANE Select); 15 bases into the intron before coding-DNA position 206 through 14 bases into the intron before coding-DNA position 206, TATTATAAATAGAC inserted.
Molecular consequence: intron variant.
Genome position: GRCh38 VCF-style: chr17-61857245-A-AAGTCTATTTATAAT. GRCh37 (hg19) VCF-style: chr17-59934606-A-AAGTCTATTTATAAT.
Identifiers: ClinVar variation 2952746 (VCV002952746.2), dbSNP rs2545461388, ClinGen allele CA2740093875.